The following is an entry in ClinVar:

ClinVar aggregate classification (germline): Uncertain significance. Review status: criteria provided, multiple submitters, no conflicts (2 of 4 stars). 2 submissions from 2 submitters: Uncertain significance (2). Last evaluated 2025-09-29.

Conditions:
Vitamin B2 deficiency. Identifiers: MedGen C0035528.

Submissions (2):

Labcorp Genetics (formerly Invitae), Labcorp
Classification: Uncertain significance for Vitamin B2 deficiency. Last evaluated: 2025-09-29. Review status: criteria provided, single submitter. Criteria: Invitae Variant Classification Sherloc (09022015). Collection method: clinical testing. Allele origin: germline.
Comment: This sequence change replaces arginine, which is basic and polar, with tryptophan, which is neutral and slightly polar, at codon 405 of the SLC52A1 protein (p.Arg405Trp). The frequency data for this variant in the population databases is considered unreliable, as metrics indicate poor data quality at this position in the gnomAD database. This variant has not been reported in the literature in individuals affected with SLC52A1-related conditions. ClinVar contains an entry for this variant (Variation ID: 3957300). Invitae Evidence Modeling of protein sequence and biophysical properties (such as structural, functional, and spatial information, amino acid conservation, physicochemical variation, residue mobility, and thermodynamic stability) indicates that this missense variant is not expected to disrupt SLC52A1 protein function with a negative predictive value of 80%. In summary, the available evidence is currently insufficient to determine the role of this variant in disease. Therefore, it has been classified as a Variant of Uncertain Significance.

Ambry Genetics
Classification: Uncertain significance. Last evaluated: 2025-06-08. Review status: criteria provided, single submitter. Criteria: Ambry Variant Classification Scheme 2023. Collection method: clinical testing. Allele origin: germline.

NM_017986.4(SLC52A1):c.1213C>T (p.Arg405Trp)

Gene: SLC52A1 (solute carrier family 52 member 1; minus strand). Cytogenetic location: 17p13.2.
Variant type: single nucleotide variant.
Coding change: c.1213C>T on transcript NM_017986.4 (MANE Select); coding-DNA position 1213, C replaced by T.
Protein change: p.Arg405Trp; replaces arginine 405 with tryptophan.
Molecular consequence: missense variant.
Genome position (GRCh38, 1-based): chr17:5,033,091, G>A on the plus strand (C>T on the coding strand, the complement: SLC52A1 is on the minus strand). VCF-style: chr17-5033091-G-A. GRCh37 (hg19) VCF-style: chr17-4936386-G-A.
Other names: c.1213C>T, p.Arg405Trp (NM_001104577.2); short protein forms R405W.
Identifiers: ClinVar variation 3957300 (VCV003957300.2).